The following is an entry in ClinVar:

NM_005477.3(HCN4):c.2637C>T (p.Ser879=)

Gene: HCN4 (hyperpolarization activated cyclic nucleotide gated potassium channel 4; minus strand). Cytogenetic location: 15q24.1.
Variant type: single nucleotide variant.
Coding change: c.2637C>T on transcript NM_005477.3 (MANE Select); coding-DNA position 2637, C replaced by T.
Protein change: p.Ser879=; no amino-acid change (serine 879 retained).
Molecular consequence: synonymous variant.
Genome position (GRCh38, 1-based): chr15:73,323,456, G>A on the plus strand (C>T on the coding strand, the complement: HCN4 is on the minus strand). VCF-style: chr15-73323456-G-A. GRCh37 (hg19) VCF-style: chr15-73615797-G-A.
Identifiers: ClinVar variation 383154 (VCV000383154.4), dbSNP rs769042435, ClinGen allele CA7648985.

ClinVar aggregate classification (germline): Likely benign. Review status: criteria provided, multiple submitters, no conflicts (2 of 4 stars). 3 submissions from 3 submitters: Likely benign (3). Last evaluated 2025-10-06.

Conditions:
Cardiovascular phenotype. Identifiers: MedGen CN230736.
Brugada syndrome 8 (BRGDA8). Identifiers: Orphanet 130, MedGen C2751083, MONDO:0013148, OMIM 613123.

gnomAD v4.1: 8 of 1,608,642 alleles (0.0005%); highest among the groups gnomAD compares: Non-Finnish European, 0.00068%; no homozygotes.

Submissions (3):

Labcorp Genetics (formerly Invitae), Labcorp
Classification: Likely benign for Brugada syndrome 8. Last evaluated: 2025-10-06. Review status: criteria provided, single submitter. Criteria: Invitae Variant Classification Sherloc (09022015). Collection method: clinical testing. Allele origin: germline.

Ambry Genetics
Classification: Likely benign for Cardiovascular phenotype. Last evaluated: 2022-01-07. Review status: criteria provided, single submitter. Criteria: Ambry Variant Classification Scheme 2023. Collection method: clinical testing. Allele origin: germline.

GeneDx
Classification: Likely benign. Last evaluated: 2016-01-14. Review status: criteria provided, single submitter. Criteria: GeneDx Variant Classification (06012015). Collection method: clinical testing. Allele origin: germline. Affected: yes.
Comment: This variant is considered likely benign or benign based on one or more of the following criteria: it is a conservative change, it occurs at a poorly conserved position in the protein, it is predicted to be benign by multiple in silico algorithms, and/or has population frequency not consistent with disease.